The following is an entry in ClinVar:

ClinVar aggregate classification (germline): Uncertain significance. Review status: reviewed by expert panel (3 of 4 stars). 4 submissions from 4 submitters: Uncertain significance (1). 3 of the submissions do not count toward it. Last evaluated 2023-08-28.

Conditions:
CDKL5-related disorder.
CDKL5 disorder. Identifiers: MedGen CN296942, MONDO:0100039.
Angelman syndrome-like. Identifiers: MedGen CN128785.
Developmental and epileptic encephalopathy, 2 (DEE2). Also called: INFANTILE SPASM SYNDROME, X-LINKED 2; CDKL5 deficiency disorder. Identifiers: Orphanet 1934, Orphanet 3451, Orphanet 505652, MedGen C4750718, MONDO:0010396, OMIM 300672.

Submissions (4):

ClinGen Rett and Angelman-like Disorders Variant Curation Expert Panel
Classification: Uncertain significance for CDKL5 disorder. Last evaluated: 2023-08-28. Review status: reviewed by expert panel. Criteria: ClinGen RettAS ACMG Specifications CDKL5 V3.0.0. Collection method: curation. Allele origin: germline. Inheritance: X-linked inheritance.
Comment: The p.Cys291Arg variant in CDKL5 is absent from gnomAD (PM2_Supporting). The p.Cys291Arg variant in CDKL5 has been reported as a de novo occurrence (biological parentage unconfirmed) in an individual with clinical features consistent with CDKL5 disorder (PMID 31313283) (PM6). The p.Cys291Arg variant in CDKL5 has been reported in an individual with a clinical phenotype suggestive of CDKL5 disorder (PP4). The p.Cys291Arg variant has been observed in 2 individuals with CDKL5 disorder (PMID 31313283, internal database) (PS4_Supporting). In summary, the p.Cys291Arg variant in CDKL5 is classified as a variant of uncertain significance based on the ACMG/AMP criteria (PM2_Supporting, PM6, PP4, PS4_Supporting).

Labcorp Genetics (formerly Invitae), Labcorp
Classification: Uncertain significance for Developmental and epileptic encephalopathy, 2; Angelman syndrome-like. Last evaluated: 2022-03-18. Review status: criteria provided, single submitter. Criteria: Invitae Variant Classification Sherloc (09022015). Collection method: clinical testing. Allele origin: germline. Not counted in ClinVar's aggregate classification.
Comment: In summary, the available evidence is currently insufficient to determine the role of this variant in disease. Therefore, it has been classified as a Variant of Uncertain Significance. Algorithms developed to predict the effect of missense changes on protein structure and function are either unavailable or do not agree on the potential impact of this missense change (SIFT: "Deleterious"; PolyPhen-2: "Benign"; Align-GVGD: "Class C0"). ClinVar contains an entry for this variant (Variation ID: 429431). This missense change has been observed in individual(s) with clinical features of CDKL5-related conditions (PMID: 29655203, 31313283). This variant is not present in population databases (gnomAD no frequency). This sequence change replaces cysteine, which is neutral and slightly polar, with arginine, which is basic and polar, at codon 291 of the CDKL5 protein (p.Cys291Arg).

Blueprint Genetics
Classification: Likely pathogenic for CDKL5-related disorders. Last evaluated: 2019-09-02. Review status: criteria provided, single submitter. Criteria: ACMG Guidelines, 2015. Collection method: clinical testing. Allele origin: germline. Affected: yes. Observed: 2 variant alleles. Not counted in ClinVar's aggregate classification.

GeneDx
Classification: Likely pathogenic. Last evaluated: 2018-08-28. Review status: criteria provided, single submitter. Criteria: GeneDx Variant Classification (06012015). Collection method: clinical testing. Allele origin: germline. Affected: yes. Not counted in ClinVar's aggregate classification.
Comment: A variant that is likely pathogenic has been identified in the CDKL5 gene. The C291R variant has not been published as a pathogenic variant, nor has it been reported as a benign variant to our knowledge. The C291R variant is not observed in large population cohorts (Lek et al., 2016). The C291R variant is a non-conservative amino acid substitution, which is likely to impact secondary protein structure as these residues differ in polarity, charge, size and/or other properties. Additionally, in-silico analyses, including protein predictors and evolutionary conservation, support a deleterious effect. Therefore, this variant is likely pathogenic; however, the possibility that it is benign cannot be excluded.

Literature cited by the submitters: PubMed 29655203 (cited by Labcorp Genetics (formerly Invitae), Labcorp); PubMed 31313283 (cited by Labcorp Genetics (formerly Invitae), Labcorp).

NM_001323289.2(CDKL5):c.871T>C (p.Cys291Arg)

Gene: CDKL5 (cyclin dependent kinase like 5; plus strand). Cytogenetic location: Xp22.13.
Variant type: single nucleotide variant.
Coding change: c.871T>C on transcript NM_001323289.2 (MANE Select); coding-DNA position 871, T replaced by C.
Protein change: p.Cys291Arg; replaces cysteine 291 with arginine.
Molecular consequence: missense variant.
Genome position (GRCh38, 1-based): chrX:18,598,507, T>C. VCF-style: chrX-18598507-T-C. GRCh37 (hg19) VCF-style: chrX-18616627-T-C.
Other names: NM_001323289.2(CDKL5):c.871T>C; p.Cys291Arg; c.871T>C, p.Cys291Arg (NM_001037343.2, NM_003159.3); short protein forms C291R.
Identifiers: ClinVar variation 429431 (VCV000429431.9), dbSNP rs1131691376, ClinGen allele CA412355889.
Genomic context (GRCh38, chrX:18,598,507, plus strand): 5'-ATTTTATTTCCTAAGAATTTACTGAAGTTGGACCCAGCTGACAGATACTTGACAGAACAG[T>C]GTTTGAATCACCCTACATTTCAAACCCAGAGACTTCTGGATCGTTCTCCTTCAAGGTCAG-3'
Protein context (NP_001310218.1, residues 281-301): DPADRYLTEQ[Cys291Arg]LNHPTFQTQR